The following is an entry in ClinVar:

NM_002471.4(MYH6):c.5307G>C (p.Glu1769Asp)

Gene: MYH6 (myosin heavy chain 6; minus strand). Cytogenetic location: 14q11.2.
Variant type: single nucleotide variant.
Coding change: c.5307G>C on transcript NM_002471.4 (MANE Select); coding-DNA position 5307, G replaced by C.
Protein change: p.Glu1769Asp; replaces glutamic acid 1769 with aspartic acid.
Molecular consequence: missense variant.
Genome position (GRCh38, 1-based): chr14:23,384,700, C>G on the plus strand (G>C on the coding strand, the complement: MYH6 is on the minus strand). VCF-style: chr14-23384700-C-G. GRCh37 (hg19) VCF-style: chr14-23853909-C-G.
Other names: short protein forms E1769D.
Identifiers: ClinVar variation 1746730 (VCV001746730.2), dbSNP rs775263867, ClinGen allele CA7114460.

ClinVar aggregate classification (germline): Uncertain significance (1 of 4 stars; one submission).

Conditions:
Cardiovascular phenotype. Identifiers: MedGen CN230736.

Allele frequency attached by ClinVar (database versions not stated): TOPMed below 0.00001; ExAC 0.00001.

Submission:

Ambry Genetics
Classification: Uncertain significance for Cardiovascular phenotype. Last evaluated: 2022-06-12. Review status: criteria provided, single submitter. Criteria: Ambry Variant Classification Scheme 2023. Collection method: clinical testing. Allele origin: germline.
Comment: The p.E1769D variant (also known as c.5307G>C), located in coding exon 34 of the MYH6 gene, results from a G to C substitution at nucleotide position 5307. The glutamic acid at codon 1769 is replaced by aspartic acid, an amino acid with highly similar properties. This amino acid position is conserved. In addition, the in silico prediction for this alteration is inconclusive. Since supporting evidence is limited at this time, the clinical significance of this alteration remains unclear.